The following is an entry in ClinVar:

NM_000440.3(PDE6A):c.2533A>G (p.Asn845Asp)

Gene: PDE6A (phosphodiesterase 6A; minus strand). Cytogenetic location: 5q32.
Variant type: single nucleotide variant.
Coding change: c.2533A>G on transcript NM_000440.3 (MANE Select); coding-DNA position 2533, A replaced by G.
Protein change: p.Asn845Asp; replaces asparagine 845 with aspartic acid.
Molecular consequence: missense variant.
Genome position (GRCh38, 1-based): chr5:149,860,945, T>C on the plus strand (A>G on the coding strand, the complement: PDE6A is on the minus strand). VCF-style: chr5-149860945-T-C. GRCh37 (hg19) VCF-style: chr5-149240508-T-C.
Other names: c.2290A>G, p.Asn764Asp (NM_001410788.1); short protein forms N764D, N845D.
Identifiers: ClinVar variation 1927317 (VCV001927317.5), dbSNP rs762550485, ClinGen allele CA3504237.

ClinVar aggregate classification (germline): Uncertain significance (1 of 4 stars; one submission).

Allele frequency attached by ClinVar (database versions not stated): ExAC 0.00001; gnomAD exomes below 0.00001.
gnomAD v4.1: 3 of 1,614,150 alleles (0.00019%); highest among the groups gnomAD compares: East Asian, 0.0022%; no homozygotes.

Submission:

Labcorp Genetics (formerly Invitae), Labcorp
Classification: Uncertain significance. Last evaluated: 2022-07-03. Review status: criteria provided, single submitter. Criteria: Invitae Variant Classification Sherloc (09022015). Collection method: clinical testing. Allele origin: germline.
Comment: This sequence change replaces asparagine, which is neutral and polar, with aspartic acid, which is acidic and polar, at codon 845 of the PDE6A protein (p.Asn845Asp). This variant is present in population databases (rs762550485, gnomAD 0.0009%). This missense change has been observed in individual(s) with periventricular nodular heterotopia (PMID: 29738522). Algorithms developed to predict the effect of missense changes on protein structure and function (SIFT, PolyPhen-2, Align-GVGD) all suggest that this variant is likely to be tolerated. In summary, the available evidence is currently insufficient to determine the role of this variant in disease. Therefore, it has been classified as a Variant of Uncertain Significance.

Literature cited by the submitters: PubMed 29738522.